The following is an entry in ClinVar:

NM_000535.7(PMS2):c.1145-16G>A

Gene: PMS2 (PMS1 homolog 2, mismatch repair system component; minus strand). Cytogenetic location: 7p22.1.
Variant type: single nucleotide variant.
Coding change: c.1145-16G>A on transcript NM_000535.7 (MANE Select); 16 bases into the intron before coding-DNA position 1145, G replaced by A.
Molecular consequence: intron variant.
Genome position (GRCh38, 1-based): chr7:5,987,636, C>T on the plus strand (G>A on the coding strand, the complement: PMS2 is on the minus strand). VCF-style: chr7-5987636-C-T. GRCh37 (hg19) VCF-style: chr7-6027267-C-T.
Other names: c.827-16G>A (NM_001322008.2, NM_001322007.2); c.584-16G>A (NM_001322010.2); c.740-16G>A (NM_001322004.2, NM_001322003.2, NM_001322009.2 and 1 more transcripts); c.572-16G>A (NM_001322013.2); c.212-16G>A (NM_001322012.2, NM_001322011.2); c.836-16G>A (NM_001322015.2); c.989-16G>A (NM_001322006.2); c.1145-16G>A (NM_001322014.2).
Identifiers: ClinVar variation 379147 (VCV000379147.21), dbSNP rs576825560, ClinGen allele CA042202.

ClinVar aggregate classification (germline): Likely benign. Review status: criteria provided, multiple submitters, no conflicts (2 of 4 stars). 7 submissions from 7 submitters: Likely benign (7). Last evaluated 2025-12-08.

Conditions:
Hereditary nonpolyposis colorectal neoplasms. Identifiers: MedGen C0009405, MeSH D003123.
Hereditary cancer-predisposing syndrome. Also called: Neoplastic Syndromes, Hereditary; Tumor predisposition; Hereditary Cancer Syndrome; Hereditary neoplastic syndrome. Identifiers: Orphanet 140162, MedGen C0027672, MeSH D009386, MONDO:0015356.
Lynch syndrome 4 (LYNCH4). Also called: Colorectal cancer, hereditary nonpolyposis, type 4; Hereditary non-polyposis colorectal cancer, type 4. Identifiers: Orphanet 144, MedGen C1838333, MONDO:0013699, OMIM 614337. Disease mechanism: loss of function.

Allele frequency attached by ClinVar (database versions not stated): gnomAD 0.00003.
gnomAD v4.1: 58 of 1,539,920 alleles (0.0038%); highest among the groups gnomAD compares: Admixed American, 0.045%; no homozygotes.

Submissions (7):

Labcorp Genetics (formerly Invitae), Labcorp
Classification: Likely benign for Hereditary nonpolyposis colorectal neoplasms. Last evaluated: 2025-12-08. Review status: criteria provided, single submitter. Criteria: Invitae Variant Classification Sherloc (09022015). Collection method: clinical testing. Allele origin: germline.

Center for Genomic Medicine, Rigshospitalet, Copenhagen University Hospital
Classification: Likely benign. Last evaluated: 2025-03-04. Review status: criteria provided, single submitter. Criteria: ACMG Guidelines, 2015. Collection method: clinical testing. Allele origin: germline.

Myriad Genetics, Inc.
Classification: Likely benign for Lynch syndrome 4. Last evaluated: 2025-01-29. Review status: criteria provided, single submitter. Criteria: Myriad Autosomal Dominant, Autosomal Recessive and X-Linked Classification Criteria (2023). Collection method: clinical testing. Allele origin: unknown.
Comment: This variant is considered likely benign. This variant is intronic and is not expected to impact mRNA splicing.

Blueprint Genetics
Classification: Likely benign. Last evaluated: 2024-09-11. Review status: criteria provided, single submitter. Criteria: ACMG Guidelines, 2015. Collection method: clinical testing. Allele origin: germline.

GeneDx
Classification: Likely benign. Last evaluated: 2017-06-14. Review status: criteria provided, single submitter. Criteria: GeneDx Variant Classification (06012015). Collection method: clinical testing. Allele origin: germline. Affected: yes.
Comment: This variant is considered likely benign or benign based on one or more of the following criteria: it is a conservative change, it occurs at a poorly conserved position in the protein, it is predicted to be benign by multiple in silico algorithms, and/or has population frequency not consistent with disease.

Color Diagnostics, LLC DBA Color Health
Classification: Likely benign for Hereditary cancer-predisposing syndrome. Last evaluated: 2015-07-28. Review status: criteria provided, single submitter. Criteria: ACMG Guidelines, 2015. Collection method: clinical testing. Allele origin: germline.

Ambry Genetics
Classification: Likely benign for Hereditary cancer-predisposing syndrome. Last evaluated: 2014-12-19. Review status: criteria provided, single submitter. Criteria: Ambry Variant Classification Scheme 2023. Collection method: clinical testing. Allele origin: germline.